The following is an entry in ClinVar:

NM_001364171.2(ODAD1):c.716AGG[1] (p.Glu240del)

Gene: ODAD1 (outer dynein arm docking complex subunit 1; minus strand). Cytogenetic location: 19q13.33.
Variant type: Microsatellite.
Coding change: c.716AGG[1] on transcript NM_001364171.2 (MANE Select); one copy of the 3-base unit AGG starting at c.716; the reference has two copies in a row; one copy, 3 bases deleted.
Protein change: p.Glu240del; deletes glutamic acid 240.
Molecular consequence: inframe deletion.
Genome position (GRCh38, 1-based): chr19:48,304,085-48,304,087, CCT deleted on the plus strand (AGG on the coding strand, the reverse complement: ODAD1 is on the minus strand); deleting any 3 consecutive bases within chr19:48,304,085-48,304,091 gives the same sequence; the position shown is the placement nearest the transcript's 3' end. VCF-style (leftmost placement, unchanged base first): chr19-48304084-GCCT-G. GRCh37 (hg19) VCF-style: chr19-48807341-GCCT-G.
Other names: c.605AGG[1], p.Glu203del (NM_144577.4); short protein forms E203del, E240del.
Identifiers: ClinVar variation 525282 (VCV000525282.7), dbSNP rs760854519, ClinGen allele CA9548975.

ClinVar aggregate classification (germline): Uncertain significance. Review status: criteria provided, multiple submitters, no conflicts (2 of 4 stars). 2 submissions from 2 submitters: Uncertain significance (2). Last evaluated 2025-01-27.

Conditions:
Primary ciliary dyskinesia. Also called: Ciliary dyskinesia. Identifiers: Orphanet 244, MedGen C0008780, MONDO:0016575, HP:0012265.

Submissions (2):

Ambry Genetics
Classification: Uncertain significance for Primary ciliary dyskinesia. Last evaluated: 2025-01-27. Review status: criteria provided, single submitter. Criteria: Ambry Variant Classification Scheme 2023. Collection method: clinical testing. Allele origin: germline.
Comment: The c.608_610delAGG variant (also known as p.E203del), located in coding exon 6 of the CCDC114 gene, results from an in-frame AGG deletion at nucleotide positions 608 to 610. This results in the in-frame deletion of a glutamic acid at codon 203. This amino acid position is poorly conserved in available vertebrate species. In addition, this alteration is predicted to be deleterious by in silico analysis (Choi Y et al. PLoS ONE. 2012; 7(10):e46688). Based on the available evidence, the clinical significance of this variant remains unclear.

Labcorp Genetics (formerly Invitae), Labcorp
Classification: Uncertain significance for Primary ciliary dyskinesia. Last evaluated: 2021-08-28. Review status: criteria provided, single submitter. Criteria: Invitae Variant Classification Sherloc (09022015). Collection method: clinical testing. Allele origin: germline.
Comment: This variant, c.608_610del, results in the deletion of 1 amino acid(s) of the CCDC114 protein (p.Glu203del), but otherwise preserves the integrity of the reading frame. This variant is present in population databases (rs760854519, ExAC 0.02%). This variant has not been reported in the literature in individuals affected with CCDC114-related conditions. Experimental studies and prediction algorithms are not available or were not evaluated, and the functional significance of this variant is currently unknown. In summary, the available evidence is currently insufficient to determine the role of this variant in disease. Therefore, it has been classified as a Variant of Uncertain Significance.